The following is an entry in ClinVar:

NM_017553.3(INO80):c.4601C>T (p.Thr1534Ile)

Gene: INO80 (INO80 complex ATPase subunit; minus strand). Cytogenetic location: 15q15.1.
Variant type: single nucleotide variant.
Coding change: c.4601C>T on transcript NM_017553.3 (MANE Select); coding-DNA position 4601, C replaced by T.
Protein change: p.Thr1534Ile; replaces threonine 1534 with isoleucine.
Molecular consequence: missense variant. On other transcripts: non-coding transcript variant (1).
Genome position (GRCh38, 1-based): chr15:40,980,293, G>A on the plus strand (C>T on the coding strand, the complement: INO80 is on the minus strand). VCF-style: chr15-40980293-G-A. GRCh37 (hg19) VCF-style: chr15-41272491-G-A.
Other names: short protein forms T1534I.
Identifiers: ClinVar variation 3057313 (VCV003057313.2), dbSNP rs577749000, ClinGen allele CA7488357.

ClinVar aggregate classification (germline): Likely benign (0 of 4 stars; one submission).

Conditions:
INO80-related disorder. Also called: INO80-related condition.

Allele frequency attached by ClinVar (database versions not stated): gnomAD exomes 0.00013; TOPMed 0.00013; gnomAD 0.00015; ExAC 0.00026; 1000 Genomes Project 30x 0.00031.
gnomAD v4.1: 209 of 1,613,836 alleles (0.013%); highest among the groups gnomAD compares: South Asian, 0.19%; 1 homozygote.

Submission:

PreventionGenetics, part of Exact Sciences
Classification: Likely benign for INO80-related condition. Last evaluated: 2022-03-21. Review status: no assertion criteria provided. Collection method: clinical testing. Allele origin: germline.
Comment: This variant is classified as likely benign based on ACMG/AMP sequence variant interpretation guidelines (Richards et al. 2015 PMID: 25741868, with internal and published modifications).